The following is an entry in ClinVar:

NM_000522.5(HOXA13):c.234_251del (p.Ala79_Ala84del)

Genes: HOXA13 (homeobox A13; minus strand), LOC107126288 (NUP98-HOXA13 recombination region; plus strand). Cytogenetic location: 7p15.2.
Variant type: Deletion.
Coding change: c.234_251del on transcript NM_000522.5 (MANE Select); coding-DNA positions 234 to 251, 18 bases deleted (TGCGGCGGCGGCCGCGGC).
Protein change: p.Ala79_Ala84del.
Molecular consequence: inframe deletion.
Genome position (GRCh38, 1-based): chr7:27,199,827-27,199,844, GCCGCGGCCGCCGCCGCA deleted on the plus strand (TGCGGCGGCGGCCGCGGC on the coding strand, the reverse complement: HOXA13 is on the minus strand); deleting any 18 consecutive bases within chr7:27,199,827-27,199,861 gives the same sequence; the c. name uses the placement nearest the transcript's 3' end. VCF-style (leftmost placement, unchanged base first): chr7-27199826-GGCCGCGGCCGCCGCCGCA-G. GRCh37 (hg19) VCF-style: chr7-27239445-GGCCGCGGCCGCCGCCGCA-G.
Identifiers: ClinVar variation 2148846 (VCV002148846.4), dbSNP rs990542963, ClinGen allele CA155875510.
Genomic context (GRCh38, chr7:27,199,826, plus strand): 5'-GGCGGACGCGGCTCCTGGCGCCAAGGGCGCCGGGTGCGCCATCAGGTTGCGGCACTGGTT[GGCCGCGGCCGCCGCCGCA>G]GCCGCGGCCGCCGCCGCCACCGAGAAGTTGCCCCCTGCCGCCGCAGCCGCCGGGTGGGGG-3'

ClinVar aggregate classification (germline): Uncertain significance (1 of 4 stars; one submission).

Submission:

Labcorp Genetics (formerly Invitae), Labcorp
Classification: Uncertain significance. Last evaluated: 2025-11-13. Review status: criteria provided, single submitter. Criteria: Invitae Variant Classification Sherloc (09022015). Collection method: clinical testing. Allele origin: germline.
Comment: This variant, c.234_251del, results in the deletion of 6 amino acid(s) of the HOXA13 protein (p.Ala79_Ala84del), but otherwise preserves the integrity of the reading frame. The frequency data for this variant in the population databases is considered unreliable, as metrics indicate poor data quality at this position in the gnomAD database. This variant has not been reported in the literature in individuals affected with HOXA13-related conditions. ClinVar contains an entry for this variant (Variation ID: 2148846). Experimental studies and prediction algorithms are not available or were not evaluated, and the functional significance of this variant is currently unknown. In summary, the available evidence is currently insufficient to determine the role of this variant in disease. Therefore, it has been classified as a Variant of Uncertain Significance.